The following is an entry in ClinVar:

NM_001395413.1(POR):c.1651C>T (p.Arg551Ter)

Gene: POR (cytochrome p450 oxidoreductase; plus strand). Cytogenetic location: 7q11.23.
Variant type: single nucleotide variant.
Coding change: c.1651C>T on transcript NM_001395413.1 (MANE Select); coding-DNA position 1651, C replaced by T.
Protein change: p.Arg551Ter; replaces arginine 551 with a stop codon.
Molecular consequence: nonsense.
Genome position (GRCh38, 1-based): chr7:75,985,840, C>T. VCF-style: chr7-75985840-C-T. GRCh37 (hg19) VCF-style: chr7-75615158-C-T.
Other names: c.1651C>T, p.Arg551Ter (NM_001367562.3, NM_001382657.2, NM_001382658.3 and 1 more transcripts); c.1705C>T, p.Arg569Ter (NM_001382655.3); c.1501C>T, p.Arg501Ter (NM_001382662.3); short protein forms R501*, R551*, R569*.
Identifiers: ClinVar variation 632506 (VCV000632506.15), dbSNP rs782336856, ClinGen allele CA4304215.

ClinVar aggregate classification (germline): Pathogenic/Likely pathogenic. Review status: criteria provided, multiple submitters, no conflicts (2 of 4 stars). 4 submissions from 4 submitters: Pathogenic (3); Likely pathogenic (1). Last evaluated 2026-01-20.

Conditions:
Congenital adrenal hyperplasia due to cytochrome P450 oxidoreductase deficiency. Also called: DISORDERED STEROIDOGENESIS DUE TO POR DEFICIENCY. Identifiers: Orphanet 95699, MedGen C1860042, MONDO:0013310, OMIM 613571.
Antley-Bixler syndrome with genital anomalies and disordered steroidogenesis (ABS1). Also called: POR Deficiency. Identifiers: Orphanet 63269, MedGen C3150099, MONDO:0008726, OMIM 201750.
Congenital adrenal hyperplasia. Identifiers: Orphanet 418, MedGen C0001627, MONDO:0018479, HP:0008258.

Allele frequency attached by ClinVar (database versions not stated): gnomAD exomes 0.00001 and 0.00002; TOPMed 0.00002; gnomAD 0.00003; ExAC 0.00004.
gnomAD v4.1: 12 of 1,549,138 alleles (0.00077%); highest among the groups gnomAD compares: African/African-American, 0.0081%; no homozygotes.

Submissions (4):

Labcorp Genetics (formerly Invitae), Labcorp
Classification: Pathogenic for Congenital adrenal hyperplasia due to cytochrome P450 oxidoreductase deficiency. Last evaluated: 2026-01-20. Review status: criteria provided, single submitter. Criteria: Invitae Variant Classification Sherloc (09022015). Collection method: clinical testing. Allele origin: germline.
Comment: This sequence change creates a premature translational stop signal (p.Arg554*) in the POR gene. It is expected to result in an absent or disrupted protein product. Loss-of-function variants in POR are known to be pathogenic (PMID: 14758361, 20732302, 21741353). The frequency data for this variant in the population databases is considered unreliable, as metrics indicate poor data quality at this position in the gnomAD database. This variant has not been reported in the literature in individuals affected with POR-related conditions. ClinVar contains an entry for this variant (Variation ID: 632506). For these reasons, this variant has been classified as Pathogenic.

Women's Health and Genetics/Laboratory Corporation of America, LabCorp
Classification: Pathogenic for Congenital adrenal hyperplasia. Last evaluated: 2025-11-10. Review status: criteria provided, single submitter. Criteria: LabCorp Variant Classification Summary - May 2015. Collection method: clinical testing. Allele origin: germline.
Comment: Variant summary: POR c.1651C>T (p.Arg551X) results in a premature termination codon, predicted to cause a truncation of the encoded protein or absence of the protein due to nonsense mediated decay, which are commonly known mechanisms for disease. The variant allele was found at a frequency of 2.4e-05 in 168706 control chromosomes. c.1651C>T has been observed in individual(s) affected with Antley-Bixler syndrome (e.g., Fan_2019). The following publication has been ascertained in the context of this evaluation (PMID: 31888681). ClinVar contains an entry for this variant (Variation ID: 632506). Based on the evidence outlined above, the variant was classified as pathogenic.

GeneDx
Classification: Pathogenic. Last evaluated: 2024-09-19. Review status: criteria provided, single submitter. Criteria: GeneDx Variant Classification Process June 2021. Collection method: clinical testing. Allele origin: germline. Affected: yes.
Comment: Nonsense variant predicted to result in protein truncation or nonsense mediated decay in a gene for which loss of function is a known mechanism of disease; This variant is associated with the following publications: (PMID: 36843526, 31888681)

Fulgent Genetics
Classification: Likely pathogenic for Antley-Bixler syndrome with genital anomalies and disordered steroidogenesis; Congenital adrenal hyperplasia due to cytochrome P450 oxidoreductase deficiency. Last evaluated: 2024-03-12. Review status: criteria provided, single submitter. Criteria: ACMG Guidelines, 2015. Collection method: clinical testing. Allele origin: germline.

Literature cited by the submitters: PubMed 14758361 (cited by Labcorp Genetics (formerly Invitae), Labcorp); PubMed 20732302 (cited by Labcorp Genetics (formerly Invitae), Labcorp); PubMed 21741353 (cited by Labcorp Genetics (formerly Invitae), Labcorp); PubMed 31888681 (cited by Women's Health and Genetics/Laboratory Corporation of America, LabCorp).